The following is an entry in ClinVar:

NM_016013.4(NDUFAF1):c.760-6_760-3del

Gene: NDUFAF1 (NADH:ubiquinone oxidoreductase complex assembly factor 1; minus strand). Cytogenetic location: 15q15.1.
Variant type: Deletion.
Coding change: c.760-6_760-3del on transcript NM_016013.4 (MANE Select); 6 bases into the intron before coding-DNA position 760 through 3 bases into the intron before coding-DNA position 760, 4 bases deleted (TTTC; older notation c.760-6_760-3delTTTC).
Molecular consequence: intron variant.
Genome position (GRCh38, 1-based): chr15:41,388,525-41,388,528, GAAA deleted on the plus strand (TTTC on the coding strand, the reverse complement: NDUFAF1 is on the minus strand); deleting any 4 consecutive bases within chr15:41,388,525-41,388,531 gives the same sequence; the c. name uses the placement nearest the transcript's 3' end. VCF-style (leftmost placement, unchanged base first): chr15-41388524-TGAAA-T. GRCh37 (hg19) VCF-style: chr15-41680722-TGAAA-T.
Other names: c.760-6_760-3del (NM_001437489.1, NM_001437486.1, NM_001437490.1 and 2 more transcripts).
Identifiers: ClinVar variation 4716645 (VCV004716645.1).

ClinVar aggregate classification (germline): Uncertain significance (1 of 4 stars; one submission).

Submission:

Labcorp Genetics (formerly Invitae), Labcorp
Classification: Uncertain significance. Last evaluated: 2025-04-09. Review status: criteria provided, single submitter. Criteria: Invitae Variant Classification Sherloc (09022015). Collection method: clinical testing. Allele origin: germline.
Comment: This sequence change falls in intron 3 of the NDUFAF1 gene. It does not directly change the encoded amino acid sequence of the NDUFAF1 protein. This variant is not present in population databases (gnomAD no frequency). This variant has not been reported in the literature in individuals affected with NDUFAF1-related conditions. Algorithms developed to predict the effect of sequence changes on RNA splicing suggest that this variant may disrupt the consensus splice site. In summary, the available evidence is currently insufficient to determine the role of this variant in disease. Therefore, it has been classified as a Variant of Uncertain Significance.